The following is an entry in ClinVar:

NM_005477.3(HCN4):c.3530G>T (p.Gly1177Val)

Gene: HCN4 (hyperpolarization activated cyclic nucleotide gated potassium channel 4; minus strand). Cytogenetic location: 15q24.1.
Variant type: single nucleotide variant.
Coding change: c.3530G>T on transcript NM_005477.3 (MANE Select); coding-DNA position 3530, G replaced by T.
Protein change: p.Gly1177Val; replaces glycine 1177 with valine.
Molecular consequence: missense variant.
Genome position (GRCh38, 1-based): chr15:73,322,563, C>A on the plus strand (G>T on the coding strand, the complement: HCN4 is on the minus strand). VCF-style: chr15-73322563-C-A. GRCh37 (hg19) VCF-style: chr15-73614904-C-A.
Other names: short protein forms G1177V.
Identifiers: ClinVar variation 2850947 (VCV002850947.3), dbSNP rs141662311, ClinGen allele CA393084994.
Genomic context (GRCh38, chr15:73,322,563, plus strand): 5'-GAGCGCACTGGCTCAGGCCTGGCCCCAGGTTCCCTCTGGGGTCCAGCAGTCAGAGGGGGC[C>A]CCCCAGAAGAGGTGGCTCTTGCCCCAAACAAAGACAGAGGGGGTGGCAAAGAACCTGAGG-3'
Protein context (NP_005468.1, residues 1167-1187): LFGARATSSG[Gly1177Val]PPLTAGPQRE

ClinVar aggregate classification (germline): Uncertain significance (1 of 4 stars; one submission).

Conditions:
Brugada syndrome 8 (BRGDA8). Identifiers: Orphanet 130, MedGen C2751083, MONDO:0013148, OMIM 613123.

Submission:

Labcorp Genetics (formerly Invitae), Labcorp
Classification: Uncertain significance for Brugada syndrome 8. Last evaluated: 2023-03-30. Review status: criteria provided, single submitter. Criteria: Invitae Variant Classification Sherloc (09022015). Collection method: clinical testing. Allele origin: germline.
Comment: In summary, the available evidence is currently insufficient to determine the role of this variant in disease. Therefore, it has been classified as a Variant of Uncertain Significance. Advanced modeling of protein sequence and biophysical properties (such as structural, functional, and spatial information, amino acid conservation, physicochemical variation, residue mobility, and thermodynamic stability) performed at Invitae indicates that this missense variant is not expected to disrupt HCN4 protein function. This variant has not been reported in the literature in individuals affected with HCN4-related conditions. This variant is not present in population databases (gnomAD no frequency). This sequence change replaces glycine, which is neutral and non-polar, with valine, which is neutral and non-polar, at codon 1177 of the HCN4 protein (p.Gly1177Val).